The following is an entry in ClinVar:

NM_016203.4(PRKAG2):c.1465A>G (p.Asn489Asp)

Gene: PRKAG2 (protein kinase AMP-activated non-catalytic subunit gamma 2; minus strand). Cytogenetic location: 7q36.1.
Variant type: single nucleotide variant.
Coding change: c.1465A>G on transcript NM_016203.4 (MANE Select); coding-DNA position 1465, A replaced by G.
Protein change: p.Asn489Asp; replaces asparagine 489 with aspartic acid.
Molecular consequence: missense variant.
Genome position (GRCh38, 1-based): chr7:151,564,197, T>C on the plus strand (A>G on the coding strand, the complement: PRKAG2 is on the minus strand). VCF-style: chr7-151564197-T-C. GRCh37 (hg19) VCF-style: chr7-151261283-T-C.
Other names: c.1333A>G, p.Asn445Asp (NM_001040633.2, NM_001407024.1); c.1090A>G, p.Asn364Asp (NM_001304527.2, NM_001407029.1); c.742A>G, p.Asn248Asp (NM_001304531.2, NM_001407034.1, NM_001407035.1 and 1 more transcripts); c.1093A>G, p.Asn365Asp (NM_001363698.2, NM_001407028.1); c.1465A>G, p.Asn489Asp (NM_001407021.1); c.1462A>G, p.Asn488Asp (NM_001407022.1, NM_001407023.1); c.1330A>G, p.Asn444Asp (NM_001407026.1, NM_001407027.1); c.1177A>G, p.Asn393Asp (NM_001407030.1); and 6 more; short protein forms N247D, N248D, N264D, N268D, N364D, N365D, N381D, N383D.
Identifiers: ClinVar variation 3387521 (VCV003387521.1).

ClinVar aggregate classification (germline): Uncertain significance (1 of 4 stars; one submission).

Conditions:
Hypertrophic cardiomyopathy. Also called: HYPERTROPHIC MYOCARDIOPATHY. Identifiers: Orphanet 217569, MedGen C0007194, MeSH D002312, MONDO:0005045, HP:0001639.

Submission:

All of Us Research Program, National Institutes of Health
Classification: Uncertain significance for Hypertrophic cardiomyopathy. Last evaluated: 2024-08-06. Review status: criteria provided, single submitter. Criteria: ACMG Guidelines, 2015. Collection method: clinical testing. Allele origin: germline. Inheritance: Autosomal dominant inheritance. Observed: 1 variant allele, 1 heterozygote.
Comment: This study involves interpretation of variants in research participants for the purpose of population health screening. Participant phenotype was not available at the time of variant classification. Additional details can be found in publication PMID: 35346344, PMCID: PMC8962531